The following is an entry in ClinVar:

ClinVar aggregate classification (germline): Uncertain significance (1 of 4 stars; one submission).

Conditions:
Early-infantile DEE. Also called: Early infantile epileptic encephalopathy; Ohtahara syndrome; Early infantile epileptic encephalopathy with suppression bursts. Identifiers: Orphanet 1934, MedGen C0393706, MONDO:0800491.

gnomAD v4.1: 1 of 1,613,604 alleles (0.000062%); highest among the groups gnomAD compares: Non-Finnish European, 0.000085%; no homozygotes.

Submission:

Labcorp Genetics (formerly Invitae), Labcorp
Classification: Uncertain significance for Early-infantile DEE. Last evaluated: 2025-03-17. Review status: criteria provided, single submitter. Criteria: Invitae Variant Classification Sherloc (09022015). Collection method: clinical testing. Allele origin: germline.
Comment: This sequence change replaces alanine, which is neutral and non-polar, with serine, which is neutral and polar, at codon 507 of the HCN1 protein (p.Ala507Ser). This variant is not present in population databases (gnomAD no frequency). This variant has not been reported in the literature in individuals affected with HCN1-related conditions. ClinVar contains an entry for this variant (Variation ID: 2053605). Invitae Evidence Modeling of protein sequence and biophysical properties (such as structural, functional, and spatial information, amino acid conservation, physicochemical variation, residue mobility, and thermodynamic stability) indicates that this missense variant is not expected to disrupt HCN1 protein function with a negative predictive value of 95%. In summary, the available evidence is currently insufficient to determine the role of this variant in disease. Therefore, it has been classified as a Variant of Uncertain Significance.

NM_021072.4(HCN1):c.1519G>T (p.Ala507Ser)

Gene: HCN1 (hyperpolarization activated cyclic nucleotide gated potassium channel 1; minus strand). Cytogenetic location: 5p12.
Variant type: single nucleotide variant.
Coding change: c.1519G>T on transcript NM_021072.4 (MANE Select); coding-DNA position 1519, G replaced by T.
Protein change: p.Ala507Ser; replaces alanine 507 with serine.
Molecular consequence: missense variant.
Genome position (GRCh38, 1-based): chr5:45,303,698, C>A on the plus strand (G>T on the coding strand, the complement: HCN1 is on the minus strand). VCF-style: chr5-45303698-C-A. GRCh37 (hg19) VCF-style: chr5-45303800-C-A.
Other names: short protein forms A507S.
Identifiers: ClinVar variation 2053605 (VCV002053605.4), dbSNP rs1685224516, ClinGen allele CA359702540.